The following is an entry in ClinVar:

ClinVar aggregate classification (germline): Uncertain significance (1 of 4 stars; one submission).

Conditions:
Emery-Dreifuss muscular dystrophy 5, autosomal dominant (EDMD5). Also called: EMERY-DREIFUSS MUSCULAR DYSTROPHY 5. Identifiers: Orphanet 261, MedGen C2751805, MONDO:0013072, OMIM 612999.

gnomAD v4.1: 6 of 1,613,974 alleles (0.00037%); highest among the groups gnomAD compares: Non-Finnish European, 0.00051%; no homozygotes.

Submission:

Labcorp Genetics (formerly Invitae), Labcorp
Classification: Uncertain significance for Emery-Dreifuss muscular dystrophy 5, autosomal dominant. Last evaluated: 2024-08-12. Review status: criteria provided, single submitter. Criteria: Invitae Variant Classification Sherloc (09022015). Collection method: clinical testing. Allele origin: germline.
Comment: This sequence change replaces arginine, which is basic and polar, with glycine, which is neutral and non-polar, at codon 657 of the SYNE2 protein (p.Arg657Gly). This variant is present in population databases (no rsID available, gnomAD 0.007%). This variant has not been reported in the literature in individuals affected with SYNE2-related conditions. An algorithm developed to predict the effect of missense changes on protein structure and function (PolyPhen-2) suggests that this variant is likely to be disruptive. In summary, the available evidence is currently insufficient to determine the role of this variant in disease. Therefore, it has been classified as a Variant of Uncertain Significance.

NM_182914.3(SYNE2):c.1969A>G (p.Arg657Gly)

Gene: SYNE2 (spectrin repeat containing nuclear envelope protein 2; plus strand). Cytogenetic location: 14q23.2.
Variant type: single nucleotide variant.
Coding change: c.1969A>G on transcript NM_182914.3 (MANE Select); coding-DNA position 1969, A replaced by G.
Protein change: p.Arg657Gly; replaces arginine 657 with glycine.
Molecular consequence: missense variant.
Genome position (GRCh38, 1-based): chr14:63,982,762, A>G. VCF-style: chr14-63982762-A-G. GRCh37 (hg19) VCF-style: chr14-64449480-A-G.
Other names: c.1969A>G, p.Arg657Gly (NM_015180.6); short protein forms R657G.
Identifiers: ClinVar variation 3671791 (VCV003671791.2).